The following is an entry in ClinVar:

NM_001006658.3(CR2):c.1318A>G (p.Asn440Asp)

Gene: CR2 (complement C3d receptor 2; plus strand). Cytogenetic location: 1q32.2.
Variant type: single nucleotide variant.
Coding change: c.1318A>G on transcript NM_001006658.3 (MANE Select); coding-DNA position 1318, A replaced by G.
Protein change: p.Asn440Asp; replaces asparagine 440 with aspartic acid.
Molecular consequence: missense variant.
Genome position (GRCh38, 1-based): chr1:207,470,832, A>G. VCF-style: chr1-207470832-A-G. GRCh37 (hg19) VCF-style: chr1-207644177-A-G.
Other names: c.1318A>G, p.Asn440Asp (NM_001877.5); short protein forms N440D.
Identifiers: ClinVar variation 2127346 (VCV002127346.4), dbSNP rs2527217452, ClinGen allele CA344530350.

ClinVar aggregate classification (germline): Uncertain significance (1 of 4 stars; one submission).

Conditions:
Immunodeficiency, common variable, 7. Identifiers: Orphanet 1572, Orphanet 696894, MedGen C3542922, MONDO:0013862, OMIM 614699.

Submission:

Labcorp Genetics (formerly Invitae), Labcorp
Classification: Uncertain significance for Immunodeficiency, common variable, 7. Last evaluated: 2023-10-13. Review status: criteria provided, single submitter. Criteria: Invitae Variant Classification Sherloc (09022015). Collection method: clinical testing. Allele origin: germline.
Comment: This sequence change replaces asparagine, which is neutral and polar, with aspartic acid, which is acidic and polar, at codon 440 of the CR2 protein (p.Asn440Asp). This variant is not present in population databases (gnomAD no frequency). This variant has not been reported in the literature in individuals affected with CR2-related conditions. ClinVar contains an entry for this variant (Variation ID: 2127346). Algorithms developed to predict the effect of missense changes on protein structure and function output the following: SIFT: "Not Available"; PolyPhen-2: "Benign"; Align-GVGD: "Not Available". The aspartic acid amino acid residue is found in multiple mammalian species, which suggests that this missense change does not adversely affect protein function. In summary, the available evidence is currently insufficient to determine the role of this variant in disease. Therefore, it has been classified as a Variant of Uncertain Significance.